The following is an entry in ClinVar:

NM_014000.3(VCL):c.2334G>A (p.Lys778=)

Gene: VCL (vinculin; plus strand). Cytogenetic location: 10q22.2.
Variant type: single nucleotide variant.
Coding change: c.2334G>A on transcript NM_014000.3 (MANE Select); coding-DNA position 2334, G replaced by A.
Protein change: p.Lys778=; no amino-acid change (lysine 778 retained).
Molecular consequence: synonymous variant.
Genome position (GRCh38, 1-based): chr10:74,105,253, G>A. VCF-style: chr10-74105253-G-A. GRCh37 (hg19) VCF-style: chr10-75865011-G-A.
Other names: c.2334G>A, p.Lys778= (NM_003373.4).
Identifiers: ClinVar variation 3356013 (VCV003356013.2).

ClinVar aggregate classification (germline): Likely benign. Review status: criteria provided, single submitter (1 of 4 stars). 2 submissions from 2 submitters: Likely benign (1). 1 of the submissions does not count toward it. Last evaluated 2024-10-28.

Conditions:
Cardiovascular phenotype. Identifiers: MedGen CN230736.
VCL-related disorder. Also called: VCL-related condition.

Submissions (2):

Ambry Genetics
Classification: Likely benign for Cardiovascular phenotype. Last evaluated: 2024-10-28. Review status: criteria provided, single submitter. Criteria: Ambry Variant Classification Scheme 2023. Collection method: clinical testing. Allele origin: germline.

PreventionGenetics, part of Exact Sciences
Classification: Likely benign for VCL-related condition. Last evaluated: 2024-09-10. Review status: no assertion criteria provided. Collection method: clinical testing. Allele origin: germline. Not counted in ClinVar's aggregate classification.
Comment: This variant is classified as likely benign based on ACMG/AMP sequence variant interpretation guidelines (Richards et al. 2015 PMID: 25741868, with internal and published modifications).